The following is an entry in ClinVar:

ClinVar aggregate classification (germline): Benign/Likely benign. Review status: criteria provided, multiple submitters, no conflicts (2 of 4 stars). 3 submissions from 3 submitters: Benign (1); Likely benign (2). Last evaluated 2025-12-01.

Conditions:
Charcot-Marie-Tooth disease type 2. Also called: Charcot-Marie-Tooth type 2. Identifiers: Orphanet 64746, MedGen C0270914, MONDO:0018993.

Allele frequency attached by ClinVar (database versions not stated): gnomAD exomes 0.00017 and 0.00074; gnomAD 0.00030 and 0.00037; TOPMed 0.00042; ExAC 0.00072; 1000 Genomes Project 30x 0.00094; 1000 Genomes Project 0.00120.

Submissions (3):

Labcorp Genetics (formerly Invitae), Labcorp
Classification: Benign for Charcot-Marie-Tooth disease type 2. Last evaluated: 2025-12-01. Review status: criteria provided, single submitter. Criteria: Invitae Variant Classification Sherloc (09022015). Collection method: clinical testing. Allele origin: germline.

CeGaT Center for Human Genetics Tuebingen
Classification: Likely benign. Last evaluated: 2025-09-01. Review status: criteria provided, single submitter. Criteria: CeGaT Center For Human Genetics Tuebingen Variant Classification Criteria Version 2. Collection method: clinical testing. Allele origin: germline. Affected: yes. Observed: 1 variant allele.
Comment: MED25: BP4, BP7

Blueprint Genetics
Classification: Likely benign. Last evaluated: 2024-11-18. Review status: criteria provided, single submitter. Criteria: ACMG Guidelines, 2015. Collection method: clinical testing. Allele origin: germline.

NM_030973.4(MED25):c.2208C>T (p.Ser736=)

Gene: MED25 (mediator complex subunit 25; plus strand). Cytogenetic location: 19q13.33.
Variant type: single nucleotide variant.
Coding change: c.2208C>T on transcript NM_030973.4 (MANE Select); coding-DNA position 2208, C replaced by T.
Protein change: p.Ser736=; no amino-acid change (serine 736 retained).
Molecular consequence: synonymous variant. On other transcripts: intron variant (1).
Genome position (GRCh38, 1-based): chr19:49,836,908, C>T. VCF-style: chr19-49836908-C-T. GRCh37 (hg19) VCF-style: chr19-50340165-C-T.
Other names: c.2146+502C>T (NM_001378355.1).
Identifiers: ClinVar variation 329888 (VCV000329888.21), dbSNP rs376796439, ClinGen allele CA9585549.